The following is an entry in ClinVar:

NM_014822.4(SEC24D):c.878C>T (p.Pro293Leu)

Gene: SEC24D (SEC24 homolog D, COPII component; minus strand). Cytogenetic location: 4q26.
Variant type: single nucleotide variant.
Coding change: c.878C>T on transcript NM_014822.4 (MANE Select); coding-DNA position 878, C replaced by T.
Protein change: p.Pro293Leu; replaces proline 293 with leucine.
Molecular consequence: missense variant.
Genome position (GRCh38, 1-based): chr4:118,805,878, G>A on the plus strand (C>T on the coding strand, the complement: SEC24D is on the minus strand). VCF-style: chr4-118805878-G-A. GRCh37 (hg19) VCF-style: chr4-119727033-G-A.
Other names: c.881C>T, p.Pro294Leu (NM_001318066.2); short protein forms P293L, P294L.
Identifiers: ClinVar variation 1350968 (VCV001350968.6), dbSNP rs377693234, ClinGen allele CA3057406.

ClinVar aggregate classification (germline): Uncertain significance (1 of 4 stars; one submission).

Allele frequency attached by ClinVar (database versions not stated): gnomAD exomes below 0.00001; ExAC 0.00001; gnomAD 0.00003; TOPMed 0.00005; ESP Exome Variant Server 0.00008.
gnomAD v4.1: 7 of 1,588,124 alleles (0.00044%); highest among the groups gnomAD compares: African/African-American, 0.0095%; no homozygotes.

Submission:

Labcorp Genetics (formerly Invitae), Labcorp
Classification: Uncertain significance. Last evaluated: 2021-05-05. Review status: criteria provided, single submitter. Criteria: Invitae Variant Classification Sherloc (09022015). Collection method: clinical testing. Allele origin: germline.
Comment: This sequence change replaces proline with leucine at codon 293 of the SEC24D protein (p.Pro293Leu). The proline residue is highly conserved and there is a moderate physicochemical difference between proline and leucine. This variant is present in population databases (rs377693234, ExAC 0.01%). This variant has not been reported in the literature in individuals with SEC24D-related conditions. Algorithms developed to predict the effect of missense changes on protein structure and function are either unavailable or do not agree on the potential impact of this missense change (SIFT: "Not Available"; PolyPhen-2: "Probably Damaging"; Align-GVGD: "Not Available"). In summary, the available evidence is currently insufficient to determine the role of this variant in disease. Therefore, it has been classified as a Variant of Uncertain Significance.